The following is an entry in ClinVar:

ClinVar aggregate classification (germline): Conflicting classifications of pathogenicity. Review status: criteria provided, conflicting classifications (1 of 4 stars). 5 submissions from 5 submitters: Uncertain significance (4); Likely benign (1). Last evaluated 2024-10-01.

Conditions:
Arrhythmogenic cardiomyopathy with wooly hair and keratoderma. Also called: Carvajal syndrome; Dilated cardiomyopathy with woolly hair and keratoderma; Arrhythmogenic cardiomyopathy with woolly hair and keratoderma; PALMOPLANTAR KERATODERMA WITH LEFT VENTRICULAR CARDIOMYOPATHY AND WOOLLY HAIR. Identifiers: Orphanet 65282, MedGen C1854063, MONDO:0011581, OMIM 605676.
Arrhythmogenic right ventricular dysplasia 8 (ARVD8). Also called: ARRHYTHMOGENIC RIGHT VENTRICULAR DYSPLASIA, FAMILIAL, 8; ARRHYTHMOGENIC RIGHT VENTRICULAR CARDIOMYOPATHY 8; Arrhythmogenic Right Ventricular Dysplasia/Cardiomyopathy 8. Identifiers: MedGen C1843896, MONDO:0011831, OMIM 607450.
Hypertrophic cardiomyopathy. Also called: HYPERTROPHIC MYOCARDIOPATHY. Identifiers: Orphanet 217569, MedGen C0007194, MeSH D002312, MONDO:0005045, HP:0001639.
Cardiomyopathy (CMYO). Also called: Cardiomyopathies. Identifiers: Orphanet 167848, MedGen C0878544, MONDO:0004994, HP:0001638. Inheritance: Various modes of inheritance.

Allele frequency attached by ClinVar (database versions not stated): ExAC 0.00001; gnomAD 0.00001; gnomAD exomes 0.00001; TOPMed 0.00001.
gnomAD v4.1: 14 of 1,613,946 alleles (0.00087%); highest among the groups gnomAD compares: African/African-American, 0.0027%; no homozygotes.

Submissions (5):

Labcorp Genetics (formerly Invitae), Labcorp
Classification: Likely benign for Arrhythmogenic cardiomyopathy with wooly hair and keratoderma; Arrhythmogenic right ventricular dysplasia 8. Last evaluated: 2024-10-01. Review status: criteria provided, single submitter. Criteria: Invitae Variant Classification Sherloc (09022015). Collection method: clinical testing. Allele origin: germline.

All of Us Research Program, National Institutes of Health
Classification: Uncertain significance for Arrhythmogenic cardiomyopathy with wooly hair and keratoderma. Last evaluated: 2024-02-22. Review status: criteria provided, single submitter. Criteria: ACMG Guidelines, 2015. Collection method: clinical testing. Allele origin: germline. Inheritance: Autosomal dominant inheritance. Observed: 2 variant alleles, 2 heterozygotes.
Comment: This missense variant replaces arginine with glutamine at codon 2166 of the DSP protein. Computational prediction suggests that this variant may not impact protein structure and function (internally defined REVEL score threshold <= 0.5, PMID: 27666373). To our knowledge, functional studies have not been reported for this variant. This variant has been reported in an individual affected with sudden unexplained death and suspected of having dilated cardiomyopathy (PMID: 27930701). This variant has been identified in 2/251436 chromosomes in the general population by the Genome Aggregation Database (gnomAD). The available evidence is insufficient to determine the role of this variant in disease conclusively. Therefore, this variant is classified as a Variant of Uncertain Significance.

This study involves interpretation of variants in research participants for the purpose of population health screening. Participant phenotype was not available at the time of variant classification. Additional details can be found in publication PMID: 35346344, PMCID: PMC8962531

Color Diagnostics, LLC DBA Color Health
Classification: Uncertain significance for Cardiomyopathy. Last evaluated: 2023-02-22. Review status: criteria provided, single submitter. Criteria: ACMG Guidelines, 2015. Collection method: clinical testing. Allele origin: germline.
Comment: This missense variant replaces arginine with glutamine at codon 2166 of the DSP protein. Computational prediction suggests that this variant may not impact protein structure and function (internally defined REVEL score threshold <= 0.5, PMID: 27666373). To our knowledge, functional studies have not been reported for this variant. This variant has been reported in an individual affected with sudden unexplained death and suspected of having dilated cardiomyopathy (PMID: 27930701). This variant has been identified in 2/251436 chromosomes in the general population by the Genome Aggregation Database (gnomAD). The available evidence is insufficient to determine the role of this variant in disease conclusively. Therefore, this variant is classified as a Variant of Uncertain Significance.

Department of Pathology and Laboratory Medicine, Sinai Health System
Classification: Uncertain significance for hypertrophic cardiomyopathy. Last evaluated: 2021-07-30. Review status: criteria provided, single submitter. Criteria: ACMG Guidelines, 2015. Collection method: research. Allele origin: germline.

GeneDx
Classification: Uncertain significance. Last evaluated: 2017-03-29. Review status: criteria provided, single submitter. Criteria: GeneDx Variant Classification (06012015). Collection method: clinical testing. Allele origin: germline. Affected: yes.
Comment: The R2166Q variant has not been published as pathogenic or been reported as benign to our knowledge. The R2166Q variant is not observed at a significant frequency in large population cohorts (Lek et al., 2016; 1000 Genomes Consortium et al., 2015; Exome Variant Server). The R2166Q variant is a semi-conservative amino acid substitution, which may impact secondary protein structure as these residues differ in some properties. Though this substitution occurs at a position that is conserved in most mammals, Q2166 is wild-type for at least one mammalian and one non-mammalian species. Furthermore, the majority of in silico analyses predict this variant likely does not alter the protein structure/function.

Literature cited by the submitters: PubMed 27930701 (cited by All of Us Research Program, National Institutes of Health and Color Diagnostics, LLC DBA Color Health).

NM_004415.4(DSP):c.6497G>A (p.Arg2166Gln)

Gene: DSP (desmoplakin; plus strand). Cytogenetic location: 6p24.3.
Variant type: single nucleotide variant.
Coding change: c.6497G>A on transcript NM_004415.4 (MANE Select); coding-DNA position 6497, G replaced by A.
Protein change: p.Arg2166Gln; replaces arginine 2166 with glutamine.
Molecular consequence: missense variant.
Genome position (GRCh38, 1-based): chr6:7,583,759, G>A. VCF-style: chr6-7583759-G-A. GRCh37 (hg19) VCF-style: chr6-7583992-G-A.
Other names: c.6497G>A (LRG_423t1); c.4700G>A, p.Arg1567Gln (NM_001008844.3); c.5168G>A, p.Arg1723Gln (NM_001319034.2); short protein forms R2166Q, R1723Q, R1567Q.
Identifiers: ClinVar variation 424574 (VCV000424574.16), dbSNP rs771692503, ClinGen allele CA047861.